The following is an entry in ClinVar:

ClinVar aggregate classification (germline): Likely benign (1 of 4 stars; one submission).

Allele frequency attached by ClinVar (database versions not stated): 1000 Genomes Project 30x 0.00031; gnomAD 0.00080; ExAC 0.00263.

Submission:

CeGaT Center for Human Genetics Tuebingen
Classification: Likely benign. Last evaluated: 2022-12-01. Review status: criteria provided, single submitter. Criteria: CeGaT Center For Human Genetics Tuebingen Variant Classification Criteria Version 2. Collection method: clinical testing. Allele origin: germline. Affected: yes. Observed: 1 variant allele.
Comment: ANKRD36: BP4, BP7

NM_001354587.1(ANKRD36):c.3567A>G (p.Gly1189=)

Gene: ANKRD36 (ankyrin repeat domain 36; plus strand). Cytogenetic location: 2q11.2.
Variant type: single nucleotide variant.
Coding change: c.3567A>G on transcript NM_001354587.1 (MANE Select); coding-DNA position 3567, A replaced by G.
Protein change: p.Gly1189=; no amino-acid change (glycine 1189 retained).
Molecular consequence: synonymous variant.
Genome position (GRCh38, 1-based): chr2:97,213,610, A>G. VCF-style: chr2-97213610-A-G. GRCh37 (hg19) VCF-style: chr2-97879347-A-G.
Identifiers: ClinVar variation 2651164 (VCV002651164.24), dbSNP rs770632365, ClinGen allele CA1788260.